The following is an entry in ClinVar:

ClinVar aggregate classification (germline): Uncertain significance (1 of 4 stars; one submission).

gnomAD v4.1: 3 of 1,206,196 alleles (0.00025%); highest among the groups gnomAD compares: Admixed American, 0.0022%; no homozygotes.

Submission:

GeneDx
Classification: Uncertain significance. Last evaluated: 2022-12-19. Review status: criteria provided, single submitter. Criteria: GeneDx Variant Classification Process June 2021. Collection method: clinical testing. Allele origin: germline. Affected: yes.
Comment: Not observed at significant frequency in large population cohorts (gnomAD); In silico analysis supports that this missense variant does not alter protein structure/function; Has not been previously published as pathogenic or benign to our knowledge

NM_001318510.2(ACSL4):c.1771G>A (p.Val591Ile)

Gene: ACSL4 (acyl-CoA synthetase long chain family member 4; minus strand). Cytogenetic location: Xq23.
Variant type: single nucleotide variant.
Coding change: c.1771G>A on transcript NM_001318510.2 (MANE Select); coding-DNA position 1771, G replaced by A.
Protein change: p.Val591Ile; replaces valine 591 with isoleucine.
Molecular consequence: missense variant.
Genome position (GRCh38, 1-based): chrX:109,659,438, C>T on the plus strand (G>A on the coding strand, the complement: ACSL4 is on the minus strand). VCF-style: chrX-109659438-C-T. GRCh37 (hg19) VCF-style: chrX-108902667-C-T.
Other names: c.1894G>A, p.Val632Ile (NM_001318509.2, NM_022977.3); c.1771G>A, p.Val591Ile (NM_004458.3); short protein forms V591I, V632I.
Identifiers: ClinVar variation 2505655 (VCV002505655.1), dbSNP rs1396358298, ClinGen allele CA414214402.
Genomic context (GRCh38, chrX:109,659,438, plus strand): 5'-CTTTCAGTATTTCAGCTTCCATAGCAGGATTATTGCAGATATCAACCCAAGTTCCTTCTA[C>T]CCCTTTCTGTTGTGCCAAAAGTGTCAACCTTTTCTGGTTAGGAACCACAAAACTGATCAC-3'
Protein context (NP_001305439.1, residues 581-601): RLTLLAQQKG[Val591Ile]EGTWVDICNN